The following is an entry in ClinVar:

NM_206965.2(FTCD):c.430G>A (p.Gly144Arg)

Genes: FTCD (formimidoyltransferase cyclodeaminase; minus strand), FTCD-AS1 (FTCD antisense RNA 1; plus strand). Cytogenetic location: 21q22.3.
Variant type: single nucleotide variant.
Coding change: c.430G>A on transcript NM_206965.2 (MANE Select); coding-DNA position 430, G replaced by A.
Protein change: p.Gly144Arg; replaces glycine 144 with arginine.
Molecular consequence: missense variant.
Genome position (GRCh38, 1-based): chr21:46,151,918, C>T on the plus strand (G>A on the coding strand, the complement: FTCD is on the minus strand). VCF-style: chr21-46151918-C-T. GRCh37 (hg19) VCF-style: chr21-47571832-C-T.
Other names: c.430G>A, p.Gly144Arg (NM_001320412.2, NM_006657.3); short protein forms G144R.
Identifiers: ClinVar variation 282696 (VCV000282696.9), dbSNP rs138139105, ClinGen allele CA10073913.

ClinVar aggregate classification (germline): Uncertain significance. Review status: criteria provided, multiple submitters, no conflicts (2 of 4 stars). 3 submissions from 3 submitters: Uncertain significance (3). Last evaluated 2022-03-15.

Conditions:
Inborn genetic diseases. Identifiers: MedGen C0950123, MeSH D030342.
Glutamate formiminotransferase deficiency. Also called: Formiminoglutamic aciduria; Arakawa syndrome 1. Identifiers: Orphanet 51208, MedGen C0268609, MONDO:0009240, OMIM 229100.

Allele frequency attached by ClinVar (database versions not stated): gnomAD exomes 0.00006 and 0.00013; ESP Exome Variant Server 0.00016; 1000 Genomes Project 0.00020; gnomAD 0.00022; ExAC 0.00024; TOPMed 0.00025; 1000 Genomes Project 30x 0.00031.

Submissions (3):

Ambry Genetics
Classification: Uncertain significance for Inborn genetic diseases. Last evaluated: 2022-03-15. Review status: criteria provided, single submitter. Criteria: Ambry Variant Classification Scheme 2023. Collection method: clinical testing. Allele origin: germline.

Labcorp Genetics (formerly Invitae), Labcorp
Classification: Uncertain significance for Glutamate formiminotransferase deficiency. Last evaluated: 2022-02-08. Review status: criteria provided, single submitter. Criteria: Invitae Variant Classification Sherloc (09022015). Collection method: clinical testing. Allele origin: germline.
Comment: This missense change has been observed in individual(s) with formiminotransferase-cyclodeaminase deficiency (PMID: 29178637). This variant is present in population databases (rs138139105, gnomAD 0.08%). This sequence change replaces glycine, which is neutral and non-polar, with arginine, which is basic and polar, at codon 144 of the FTCD protein (p.Gly144Arg). ClinVar contains an entry for this variant (Variation ID: 282696). In summary, the available evidence is currently insufficient to determine the role of this variant in disease. Therefore, it has been classified as a Variant of Uncertain Significance. Algorithms developed to predict the effect of sequence changes on RNA splicing suggest that this variant may create or strengthen a splice site. Algorithms developed to predict the effect of missense changes on protein structure and function (SIFT, PolyPhen-2, Align-GVGD) all suggest that this variant is likely to be disruptive.

Eurofins Ntd Llc (ga)
Classification: Uncertain significance. Last evaluated: 2015-08-17. Review status: criteria provided, single submitter. Criteria: EGL Classification Definitions 2015. Collection method: clinical testing. Allele origin: germline. Observed: 1 variant allele, 1 heterozygote.

Literature cited by the submitters: PubMed 29178637 (cited by Ambry Genetics and Labcorp Genetics (formerly Invitae), Labcorp).